The following is an entry in ClinVar:

ClinVar aggregate classification (germline): Pathogenic (1 of 4 stars; one submission).

Submission:

GeneDx
Classification: Pathogenic. Last evaluated: 2023-03-29. Review status: criteria provided, single submitter. Criteria: GeneDx Variant Classification Process June 2021. Collection method: clinical testing. Allele origin: germline. Affected: yes.
Comment: Frameshift variant predicted to result in protein truncation or nonsense mediated decay in a gene for which loss-of-function is a known mechanism of disease; Has not been previously published as pathogenic or benign to our knowledge; Not observed at significant frequency in large population cohorts (gnomAD)

NM_001845.6(COL4A1):c.1509del (p.Gly504fs)

Gene: COL4A1 (collagen type IV alpha 1 chain; minus strand). Cytogenetic location: 13q34.
Variant type: Deletion.
Coding change: c.1509del on transcript NM_001845.6 (MANE Select); coding-DNA position 1509, one base deleted (T; older notation c.1509delT).
Protein change: p.Gly504fs; shifts the reading frame from glycine 504.
Molecular consequence: frameshift variant.
Genome position (GRCh38, 1-based): chr13:110,192,241, A deleted on the plus strand (T on the coding strand, the reverse complement: COL4A1 is on the minus strand). VCF-style (leftmost placement, unchanged base first): chr13-110192240-CA-C. GRCh37 (hg19) VCF-style: chr13-110844587-CA-C.
Other names: c.1509delT (NM_001845.4); c.1509del, p.Gly504fs (NM_001303110.2); short protein forms G504fs.
Identifiers: ClinVar variation 817410 (VCV000817410.4), dbSNP rs1594566006, ClinGen allele CA915946597.